The following is an entry in ClinVar:

NM_000064.4(C3):c.365T>G (p.Leu122Arg)

Gene: C3 (complement C3; minus strand). Cytogenetic location: 19p13.3.
Variant type: single nucleotide variant.
Coding change: c.365T>G on transcript NM_000064.4 (MANE Select); coding-DNA position 365, T replaced by G.
Protein change: p.Leu122Arg; replaces leucine 122 with arginine.
Molecular consequence: missense variant.
Genome position (GRCh38, 1-based): chr19:6,718,315, A>C on the plus strand (T>G on the coding strand, the complement: C3 is on the minus strand). VCF-style: chr19-6718315-A-C. GRCh37 (hg19) VCF-style: chr19-6718326-A-C.
Other names: short protein forms L122R.
Identifiers: ClinVar variation 1476198 (VCV001476198.8), dbSNP rs768598098, ClinGen allele CA403645165.
Genomic context (GRCh38, chr19:6,718,315, plus strand): 5'-CCAGGGGTGTAGATGGTCTTGTCTGTCTGGATGAAGAGGTACCCGCTCTGCAGGCTGACC[A>C]GCACCACCTTCTCCACCACTTGGGTCCCGAAGGTGGCCTGCACGGTCACGAACTTGTTGC-3'
Protein context (NP_000055.2, residues 112-132): FGTQVVEKVV[Leu122Arg]VSLQSGYLFI

ClinVar aggregate classification (germline): Uncertain significance (1 of 4 stars; one submission).

Submission:

Labcorp Genetics (formerly Invitae), Labcorp
Classification: Uncertain significance. Last evaluated: 2022-08-23. Review status: criteria provided, single submitter. Criteria: Invitae Variant Classification Sherloc (09022015). Collection method: clinical testing. Allele origin: germline.
Comment: This sequence change replaces leucine, which is neutral and non-polar, with arginine, which is basic and polar, at codon 122 of the C3 protein (p.Leu122Arg). This variant is not present in population databases (gnomAD no frequency). This variant has not been reported in the literature in individuals affected with C3-related conditions. ClinVar contains an entry for this variant (Variation ID: 1476198). Algorithms developed to predict the effect of missense changes on protein structure and function (SIFT, PolyPhen-2, Align-GVGD) all suggest that this variant is likely to be disruptive. In summary, the available evidence is currently insufficient to determine the role of this variant in disease. Therefore, it has been classified as a Variant of Uncertain Significance.